The following is an entry in ClinVar:

NM_000540.3(RYR1):c.12250C>T (p.Arg4084Cys)

Gene: RYR1 (ryanodine receptor 1; plus strand). Cytogenetic location: 19q13.2.
Variant type: single nucleotide variant.
Coding change: c.12250C>T on transcript NM_000540.3 (MANE Select); coding-DNA position 12250, C replaced by T.
Protein change: p.Arg4084Cys; replaces arginine 4084 with cysteine.
Molecular consequence: missense variant.
Genome position (GRCh38, 1-based): chr19:38,548,388, C>T. VCF-style: chr19-38548388-C-T. GRCh37 (hg19) VCF-style: chr19-39039028-C-T.
Other names: c.12235C>T, p.Arg4079Cys (NM_001042723.2); short protein forms R4084C, R4079C.
Identifiers: ClinVar variation 431880 (VCV000431880.9), dbSNP rs755879946, ClinGen allele CA058513.

ClinVar aggregate classification (germline): Uncertain significance. Review status: criteria provided, multiple submitters, no conflicts (2 of 4 stars). 3 submissions from 3 submitters: Uncertain significance (3). Last evaluated 2022-02-11.

Conditions:
RYR1-related disorder. Also called: RYR1-related disorders; RYR1-related condition. Identifiers: MedGen CN239331.
Congenital multicore myopathy with external ophthalmoplegia (CMYO1B). Also called: Congenital myopathy 1B, autosomal recessive; Minicore myopathy; MULTICORE MYOPATHY; Minicore myopathy with external ophthalmoplegia; MULTIMINICORE DISEASE WITH EXTERNAL OPHTHALMOPLEGIA. Identifiers: Orphanet 598, Orphanet 98905, MedGen C1850674, MONDO:0009712, OMIM 255320, HP:0003789.
Malignant hyperthermia, susceptibility to, 1 (MHS1). Also called: Anesthesia related hyperthermia; Malignant hyperpyrexia; Fulminating hyperpyrexia; Pharmacogenic myopathy; RYR1-Related Malignant Hyperthermia Susceptibility; Malignant hyperthermia suceptibility 1. Identifiers: Orphanet 423, MedGen C2930980, MONDO:0007783, OMIM 145600.
Congenital myopathy with fiber type disproportion. Also called: Congenital fiber-type disproportion myopathy; Congenital fiber-type disproportion. Identifiers: Orphanet 2020, MedGen C0546264, MONDO:0009711. Inheritance: all.
King Denborough syndrome (KDS). Identifiers: MedGen C1840365, MONDO:0020485, OMIM 619542.
Central core myopathy (CMYO1A). Also called: CONGENITAL MYOPATHY 1A, AUTOSOMAL DOMINANT, WITH SUSCEPTIBILITY TO MALIGNANT HYPERTHERMIA; Central core disease; Myopathy, central fibrillar. Identifiers: Orphanet 597, MedGen C5830701, MONDO:0007294, OMIM 117000.

Allele frequency attached by ClinVar (database versions not stated): gnomAD 0.00001; gnomAD exomes 0.00001 and 0.00003; TOPMed 0.00002; ExAC 0.00006.
gnomAD v4.1: 20 of 1,613,958 alleles (0.0012%); highest among the groups gnomAD compares: East Asian, 0.0089%; no homozygotes.

Submissions (3):

Fulgent Genetics
Classification: Uncertain significance for Central core myopathy; Malignant hyperthermia, susceptibility to, 1; Congenital myopathy 4A, autosomal dominant; Congenital multicore myopathy with external ophthalmoplegia; King Denborough syndrome. Last evaluated: 2022-02-11. Review status: criteria provided, single submitter. Criteria: ACMG Guidelines, 2015. Collection method: clinical testing. Allele origin: unknown.

Labcorp Genetics (formerly Invitae), Labcorp
Classification: Uncertain significance for RYR1-related disorder. Last evaluated: 2021-08-24. Review status: criteria provided, single submitter. Criteria: Invitae Variant Classification Sherloc (09022015). Collection method: clinical testing. Allele origin: germline.
Comment: This sequence change replaces arginine with cysteine at codon 4084 of the RYR1 protein (p.Arg4084Cys). The arginine residue is highly conserved and there is a large physicochemical difference between arginine and cysteine. This variant is present in population databases (rs755879946, ExAC 0.03%). This missense change has been observed in individual(s) with clinical features of RYR1-related congenital myopathy (PMID: 27363342, 29629541). ClinVar contains an entry for this variant (Variation ID: 431880). Algorithms developed to predict the effect of missense changes on protein structure and function are either unavailable or do not agree on the potential impact of this missense change (SIFT: "Deleterious"; PolyPhen-2: "Benign"; Align-GVGD: "Class C0"). In summary, the available evidence is currently insufficient to determine the role of this variant in disease. Therefore, it has been classified as a Variant of Uncertain Significance.

GeneDx
Classification: Uncertain significance. Last evaluated: 2015-07-17. Review status: criteria provided, single submitter. Criteria: GeneDx Variant Classification (06012015). Collection method: clinical testing. Allele origin: germline. Affected: yes.
Comment: The R4084C variant in the RYR1 gene has not been published as a pathogenic variant, nor has it been reported as a benign variant to our knowledge. The R4084C variant was not observed in approximately 6,500 individuals of European and African American ancestry in the NHLBI Exome Sequencing Project, indicating it is not a common benign variant in these populations. The R4084C variant is a non-conservative amino acid substitution, which is likely to impact secondary protein structure as these residues differ in polarity, charge, size and/or other properties. This substitution occurs at a position where amino acids with similar properties to Arginine are tolerated across species. In silico analysis predicts this variant is probably damaging to the protein structure/function. A missense variant in a nearby residue (T4081M) has been reported in the Human Gene Mutation Database in association with malignant hyperthermia (Stenson et al., 2014), supporting the functional importance of this region of the protein. We interpret R4084C as a variant of uncertain significance.

Literature cited by the submitters: PubMed 27363342 (cited by Labcorp Genetics (formerly Invitae), Labcorp); PubMed 29629541 (cited by Labcorp Genetics (formerly Invitae), Labcorp).